The following is an entry in ClinVar:

ClinVar aggregate classification (germline): Uncertain significance (1 of 4 stars; one submission).

Conditions:
Hereditary cancer-predisposing syndrome. Also called: Neoplastic Syndromes, Hereditary; Hereditary Cancer Syndrome; Hereditary neoplastic syndrome; Tumor predisposition. Identifiers: Orphanet 140162, MedGen C0027672, MeSH D009386, MONDO:0015356.

Submission:

Ambry Genetics
Classification: Uncertain significance for Hereditary cancer-predisposing syndrome. Last evaluated: 2023-06-11. Review status: criteria provided, single submitter. Criteria: Ambry Variant Classification Scheme 2023. Collection method: clinical testing. Allele origin: germline.
Comment: The p.T952S variant (also known as c.2855C>G), located in coding exon 17 of the DICER1 gene, results from a C to G substitution at nucleotide position 2855. The threonine at codon 952 is replaced by serine, an amino acid with similar properties. This amino acid position is conserved. In addition, this alteration is predicted to be tolerated by in silico analysis. Since supporting evidence is limited at this time, the clinical significance of this alteration remains unclear.

NM_177438.3(DICER1):c.2855C>G (p.Thr952Ser)

Gene: DICER1 (dicer 1, ribonuclease III; minus strand). Cytogenetic location: 14q32.13.
Variant type: single nucleotide variant.
Coding change: c.2855C>G on transcript NM_177438.3 (MANE Select); coding-DNA position 2855, C replaced by G.
Protein change: p.Thr952Ser; replaces threonine 952 with serine.
Molecular consequence: missense variant. On other transcripts: non-coding transcript variant (6).
Genome position (GRCh38, 1-based): chr14:95,106,173, G>C on the plus strand (C>G on the coding strand, the complement: DICER1 is on the minus strand). VCF-style: chr14-95106173-G-C. GRCh37 (hg19) VCF-style: chr14-95572510-G-C.
Other names: c.2855C>G, p.Thr952Ser (NM_001195573.1, NM_001271282.3, NM_001291628.2 and 13 more transcripts); c.2573C>G, p.Thr858Ser (NM_001395686.1); c.2450C>G, p.Thr817Ser (NM_001395687.1, NM_001395688.1, NM_001395689.1 and 2 more transcripts); c.2288C>G, p.Thr763Ser (NM_001395691.1); c.1172C>G, p.Thr391Ser (NM_001395697.1); short protein forms T858S, T817S, T952S, T763S, T391S.
Identifiers: ClinVar variation 2566231 (VCV002566231.2), dbSNP rs2542789974, ClinGen allele CA390879143.
Genomic context (GRCh38, chr14:95,106,173, plus strand): 5'-TAATATTCTGCAAAAGTTTCATACTCAGGGGAAGGAAATTTACTGAGTGGGGTAAGATCA[G>C]TGTACACATCAGCTACATAAAATCGATGAGGCTGATCAAAATTGCGATATCTAAAAAAGA-3'
Protein context (NP_803187.1, residues 942-962): PHRFYVADVY[Thr952Ser]DLTPLSKFPS